The following is an entry in ClinVar:

ClinVar aggregate classification (germline): Pathogenic. Review status: criteria provided, multiple submitters, no conflicts (2 of 4 stars). 10 submissions from 9 submitters: Pathogenic (6). 4 of the submissions do not count toward it. Last evaluated 2025-11-04.

Conditions:
Mucolipidosis type II. Also called: Mucolipidosis II Alpha/Beta; Mucolipidosis 2; ML 2; Inclusion cell disease; Leroy Disease; N-acetylglucosamine 1phosphotransferase deficiency. Identifiers: Orphanet 576, MedGen C2673377, MONDO:0009650, OMIM 252500.
Pseudo-Hurler polydystrophy. Also called: Type III Mucolipidosis; MUCOLIPIDOSIS IIIA; ML IIIA; Mucolipidosis III Alpha/Beta; ML III; ML III ALPHA/BETA. Identifiers: Orphanet 423461, Orphanet 577, MedGen C0033788, MONDO:0018931, OMIM 252600.
Mucopolysaccharidosis, MPS-III-A (MPS3A). Also called: Mucopolysaccharidosis, type IIIA; MPS III A; Mucopolysaccharidosis type IIIA (Sanfilippo A); SANFILIPPO SYNDROME A; SULFAMIDASE DEFICIENCY; mucopolysaccharidosis type 3A. Identifiers: Orphanet 581, Orphanet 79269, MedGen C0086647, MONDO:0009655, OMIM 252900.

Allele frequency attached by ClinVar (database versions not stated): gnomAD 0.00004 and 0.00005; gnomAD exomes 0.00005; ESP Exome Variant Server 0.00023; ExAC 0.00005; TOPMed 0.00006.
gnomAD v4.1: 147 of 1,343,364 alleles (0.011%); highest among the groups gnomAD compares: Non-Finnish European, 0.015%; no homozygotes.

Submissions (10):

Labcorp Genetics (formerly Invitae), Labcorp
Classification: Pathogenic for Pseudo-Hurler polydystrophy; Mucolipidosis type II. Last evaluated: 2025-11-04. Review status: criteria provided, single submitter. Criteria: Invitae Variant Classification Sherloc (09022015). Collection method: clinical testing. Allele origin: germline.
Comment: This sequence change falls in intron 17 of the GNPTAB gene. It does not directly change the encoded amino acid sequence of the GNPTAB protein. RNA analysis indicates that this variant induces altered splicing and may result in an absent or altered protein product. This variant is present in population databases (rs34788341, gnomAD 0.01%). This variant has been observed in individual(s) with mucolipdosis III alpha/beta (PMID: 16465621, 19617216). In at least one individual the data is consistent with being in trans (on the opposite chromosome) from a pathogenic variant. This variant is also known as IVS17+6T>G. ClinVar contains an entry for this variant (Variation ID: 2773). Variants that disrupt the consensus splice site are a relatively common cause of aberrant splicing (PMID: 17576681, 9536098). Studies have shown that this variant results in skipping of exon 17, and produces a non-functional protein and/or introduces a premature termination codon (PMID: 16465621). For these reasons, this variant has been classified as Pathogenic.

Natera, Inc.
Classification: Pathogenic for Mucolipidosis type II. Last evaluated: 2025-10-13. Review status: criteria provided, single submitter. Criteria: Natera Variant Classification Schema (03/2026). Collection method: clinical testing. Allele origin: germline.
Comment: The c.3335+6T>G variant in GNPTAB is an intronic variant located outside the canonical splice sites. This variant is rare in the general population with a frequency below the threshold expected for the associated phenotype(s). This variant has been observed in one or more individuals affected with the associated recessive disease, as either homozygous or compound heterozygous with a second variant (PMID: 16465621). Additionally, this variant has been observed to segregate in affected family members (PMID: 16465621). Functional studies show that this variant may disrupt protein function (PMID: 16465621). Given the available evidence, this variant is classified as Pathogenic.

GeneDx
Classification: Pathogenic. Last evaluated: 2025-06-02. Review status: criteria provided, single submitter. Criteria: GeneDx Variant Classification Process June 2021. Collection method: clinical testing. Allele origin: germline. Affected: yes.
Comment: Observed multiple times with a pathogenic variant on the opposite allele (in trans) in unrelated patients with ML III in published literature (PMID: 19617216, 16465621, 16630736); Non-canonical splice site variant demonstrated to result in loss of function (PMID: 16465621); Not observed at significant frequency in large population cohorts (gnomAD); This variant is associated with the following publications: (PMID: 16630736, 20367762, 30882951, 16465621, 34341521, 19617216)

Fulgent Genetics
Classification: Pathogenic for Mucolipidosis type II; Pseudo-Hurler polydystrophy. Last evaluated: 2022-03-25. Review status: criteria provided, single submitter. Criteria: ACMG Guidelines, 2015. Collection method: clinical testing. Allele origin: unknown.

Revvity Omics, Revvity
Classification: Pathogenic. Last evaluated: 2021-10-14. Review status: criteria provided, single submitter. Criteria: ACMG Guidelines, 2015. Collection method: clinical testing. Allele origin: germline.

Baylor Genetics
Classification: Pathogenic for Mucolipidosis type II. Review status: criteria provided, single submitter. Criteria: ACMG Guidelines, 2015. Collection method: clinical testing. Allele origin: germline.

Counsyl
Classification: Pathogenic for Mucolipidosis type II; Pseudo-Hurler polydystrophy. Last evaluated: 2017-01-11. Review status: no assertion criteria provided. Collection method: clinical testing. Allele origin: unknown. Not counted in ClinVar's aggregate classification.

GeneReviews
Classification: Pathogenic for Mucolipidosis III Alpha/Beta. Last evaluated: 2012-05-10. Review status: no assertion criteria provided. Collection method: curation. Allele origin: unknown. Not counted in ClinVar's aggregate classification.
ClinVar note: Converted during submission from pathologic to Pathogenic.

OMIM
Classification: Pathogenic for MUCOLIPIDOSIS III ALPHA/BETA. Last evaluated: 2006-03-01. Review status: no assertion criteria provided. Collection method: literature only. Allele origin: germline. Not counted in ClinVar's aggregate classification.

GeneReviews
No classification provided. Condition: Mucolipidosis type II. Review status: no classification provided. Collection method: literature only. Allele origin: unknown. Not counted in ClinVar's aggregate classification.

Literature cited by the submitters: PubMed 16465621 (cited by 5 submitters); PubMed 19617216 (cited by Labcorp Genetics (formerly Invitae), Labcorp and Counsyl); PubMed 17576681 (cited by Labcorp Genetics (formerly Invitae), Labcorp); PubMed 9536098 (cited by Labcorp Genetics (formerly Invitae), Labcorp); PubMed 20301728 (cited by GeneReviews); NCBI Bookshelf NBK1828 (cited by GeneReviews).

NM_024312.5(GNPTAB):c.3335+6T>G

Gene: GNPTAB (N-acetylglucosamine-1-phosphate transferase subunits alpha and beta; minus strand). Cytogenetic location: 12q23.2.
Variant type: single nucleotide variant.
Coding change: c.3335+6T>G on transcript NM_024312.5 (MANE Select); 6 bases into the intron after coding-DNA position 3335, T replaced by G.
Molecular consequence: intron variant.
Genome position (GRCh38, 1-based): chr12:101,757,566, A>C on the plus strand (T>G on the coding strand, the complement: GNPTAB is on the minus strand). VCF-style: chr12-101757566-A-C. GRCh37 (hg19) VCF-style: chr12-102151344-A-C.
Other names: IVS17DS, T-G, +6; AY687932:c.3335+6T>G.
Identifiers: ClinVar variation 2773 (VCV000002773.21), dbSNP rs34788341, ClinGen allele CA252413.